The following is an entry in ClinVar:

NM_004006.3(DMD):c.7247T>A (p.Leu2416Ter)

Gene: DMD (dystrophin; minus strand). Cytogenetic location: Xp21.1.
Variant type: single nucleotide variant.
Coding change: c.7247T>A on transcript NM_004006.3 (MANE Select); coding-DNA position 7247, T replaced by A.
Protein change: p.Leu2416Ter; replaces leucine 2416 with a stop codon.
Molecular consequence: nonsense. On other transcripts: 5 prime UTR variant (5).
Genome position (GRCh38, 1-based): chrX:31,820,037, A>T on the plus strand (T>A on the coding strand, the complement: DMD is on the minus strand). VCF-style: chrX-31820037-A-T. GRCh37 (hg19) VCF-style: chrX-31838154-A-T.
Other names: c.7223T>A, p.Leu2408Ter (NM_000109.4); c.7235T>A, p.Leu2412Ter (NM_004009.3); c.6878T>A, p.Leu2293Ter (NM_004010.3); c.3224T>A, p.Leu1075Ter (NM_004011.4); c.3215T>A, p.Leu1072Ter (NM_004012.4); c.-134T>A (NM_004013.3, NM_004020.4, NM_004021.3 and 2 more transcripts); short protein forms L2416*, L2293*, L2412*, L1072*, L1075*, L2408*.
Identifiers: ClinVar variation 568924 (VCV000568924.8), dbSNP rs1569452000, ClinGen allele CA412658594.

ClinVar aggregate classification (germline): Pathogenic/Likely pathogenic. Review status: criteria provided, multiple submitters, no conflicts (2 of 4 stars). 2 submissions from 2 submitters: Pathogenic (1); Likely pathogenic (1). Last evaluated 2024-10-23.

Conditions:
Duchenne muscular dystrophy (DMD). Also called: Duchenne Muscular Dystrophy (DMD); MUSCULAR DYSTROPHY, PSEUDOHYPERTROPHIC PROGRESSIVE, DUCHENNE TYPE. Identifiers: Orphanet 98896, MedGen C0013264, MONDO:0010679, OMIM 310200.
Becker muscular dystrophy, Cardiomyopathy, Duchenne muscular dystrophy, Dystrophin deficiency.

Submissions (2):

Natera, Inc.
Classification: Likely pathogenic for Becker muscular dystrophy, Cardiomyopathy, Duchenne muscular dystrophy, Dystrophin deficiency. Last evaluated: 2024-10-23. Review status: criteria provided, single submitter. Criteria: Natera Variant Classification Schema (03/2026). Collection method: clinical testing. Allele origin: germline.
Comment: The c.7247T>A variant in DMD is a nonsense variant predicted to introduce a stop codon at amino acid 2416. This variant is expected to result in nonsense mediated decay, truncation, or a dysfunctional protein product. This variant is rare in the general population with a frequency below the threshold expected for the associated phenotype(s). Given the available evidence, this variant is classified as Likely Pathogenic.

Labcorp Genetics (formerly Invitae), Labcorp
Classification: Pathogenic for Duchenne muscular dystrophy. Last evaluated: 2024-02-24. Review status: criteria provided, single submitter. Criteria: Invitae Variant Classification Sherloc (09022015). Collection method: clinical testing. Allele origin: germline.
Comment: This sequence change creates a premature translational stop signal (p.Leu2416*) in the DMD gene. It is expected to result in an absent or disrupted protein product. Loss-of-function variants in DMD are known to be pathogenic (PMID: 16770791, 25007885). This variant is not present in population databases (gnomAD no frequency). This variant has not been reported in the literature in individuals affected with DMD-related conditions. ClinVar contains an entry for this variant (Variation ID: 568924). For these reasons, this variant has been classified as Pathogenic.

Literature cited by the submitters: PubMed 16770791 (cited by Labcorp Genetics (formerly Invitae), Labcorp); PubMed 25007885 (cited by Labcorp Genetics (formerly Invitae), Labcorp).